The following is an entry in ClinVar:

ClinVar aggregate classification (germline): Conflicting classifications of pathogenicity. Review status: criteria provided, conflicting classifications (1 of 4 stars). 4 submissions from 4 submitters: Uncertain significance (3); Likely benign (1). Last evaluated 2026-07-09.

Conditions:
Tuberous sclerosis 1 (TSC1). Identifiers: Orphanet 805, MedGen C1854465, MONDO:0008612, OMIM 191100.
Hereditary cancer-predisposing syndrome. Also called: Neoplastic Syndromes, Hereditary; Hereditary Cancer Syndrome; Hereditary neoplastic syndrome; Tumor predisposition. Identifiers: Orphanet 140162, MedGen C0027672, MeSH D009386, MONDO:0015356.
Tuberous sclerosis syndrome (TSC). Also called: Tuberous Sclerosis Complex; Tuberous sclerosis. Identifiers: Orphanet 805, MedGen C0041341, MONDO:0001734.

Allele frequency attached by ClinVar (database versions not stated): gnomAD exomes below 0.00001.
gnomAD v4.1: 1 of 1,614,190 alleles (0.000062%); highest among the groups gnomAD compares: Non-Finnish European, 0.000085%; no homozygotes.

Submissions (4):

Ambry Genetics
Classification: Likely benign for Hereditary cancer-predisposing syndrome. Last evaluated: 2026-07-09. Review status: criteria provided, single submitter. Criteria: Ambry Variant Classification Scheme 2023. Collection method: clinical testing. Allele origin: germline.

Color Diagnostics, LLC DBA Color Health
Classification: Uncertain significance for Tuberous sclerosis syndrome. Last evaluated: 2025-06-09. Review status: criteria provided, single submitter. Criteria: ACMG Guidelines, 2015. Collection method: clinical testing. Allele origin: germline.
Comment: This missense variant replaces glutamic acid with aspartic acid at codon 787 of the TSC1 protein. Computational prediction suggests that this variant may not impact protein structure and function. To our knowledge, functional studies have not been reported for this variant. This variant has not been reported in individuals affected with TSC1-related disorders in the literature. This variant has not been identified in the general population by the Genome Aggregation Database (gnomAD). The available evidence is insufficient to determine the role of this variant in disease conclusively. Therefore, this variant is classified as a Variant of Uncertain Significance.

Labcorp Genetics (formerly Invitae), Labcorp
Classification: Uncertain significance for Tuberous sclerosis 1. Last evaluated: 2025-05-11. Review status: criteria provided, single submitter. Criteria: Invitae Variant Classification Sherloc (09022015). Collection method: clinical testing. Allele origin: germline.
Comment: This sequence change replaces glutamic acid, which is acidic and polar, with aspartic acid, which is acidic and polar, at codon 787 of the TSC1 protein (p.Glu787Asp). This variant is not present in population databases (gnomAD no frequency). This variant has not been reported in the literature in individuals affected with TSC1-related conditions. ClinVar contains an entry for this variant (Variation ID: 576793). Invitae Evidence Modeling of protein sequence and biophysical properties (such as structural, functional, and spatial information, amino acid conservation, physicochemical variation, residue mobility, and thermodynamic stability) indicates that this missense variant is not expected to disrupt TSC1 protein function with a negative predictive value of 95%. In summary, the available evidence is currently insufficient to determine the role of this variant in disease. Therefore, it has been classified as a Variant of Uncertain Significance.

Genome-Nilou Lab
Classification: Uncertain significance for Tuberous sclerosis 1. Last evaluated: 2021-11-07. Review status: criteria provided, single submitter. Criteria: ACMG Guidelines, 2015. Collection method: clinical testing. Allele origin: germline. Affected: no.

NM_000368.5(TSC1):c.2361G>C (p.Glu787Asp)

Gene: TSC1 (TSC complex subunit 1; minus strand). Cytogenetic location: 9q34.13.
Variant type: single nucleotide variant.
Coding change: c.2361G>C on transcript NM_000368.5 (MANE Select); coding-DNA position 2361, G replaced by C.
Protein change: p.Glu787Asp; replaces glutamic acid 787 with aspartic acid.
Molecular consequence: missense variant.
Genome position (GRCh38, 1-based): chr9:132,902,635, C>G on the plus strand (G>C on the coding strand, the complement: TSC1 is on the minus strand). VCF-style: chr9-132902635-C-G. GRCh37 (hg19) VCF-style: chr9-135778022-C-G.
Other names: c.2358G>C, p.Glu786Asp (NM_001162426.2); c.2208G>C, p.Glu736Asp (NM_001162427.2); c.1998G>C, p.Glu666Asp (NM_001362177.2); short protein forms E787D, E666D, E736D, E786D.
Identifiers: ClinVar variation 576793 (VCV000576793.17), dbSNP rs1564477079, ClinGen allele CA375359272.